The following is an entry in ClinVar:

ClinVar aggregate classification (germline): Likely benign (1 of 4 stars; one submission).

gnomAD v4.1: 3 of 1,583,230 alleles (0.00019%); highest among the groups gnomAD compares: South Asian, 0.0024%; no homozygotes.

Submission:

CeGaT Center for Human Genetics Tuebingen
Classification: Likely benign. Last evaluated: 2024-08-01. Review status: criteria provided, single submitter. Criteria: CeGaT Center For Human Genetics Tuebingen Variant Classification Criteria Version 2. Collection method: clinical testing. Allele origin: germline. Affected: yes. Observed: 1 variant allele.
Comment: SLC12A2: BP4, BP7

NM_001046.3(SLC12A2):c.2742A>G (p.Gln914=)

Gene: SLC12A2 (solute carrier family 12 member 2; plus strand). Cytogenetic location: 5q23.3.
Variant type: single nucleotide variant.
Coding change: c.2742A>G on transcript NM_001046.3 (MANE Select); coding-DNA position 2742, A replaced by G.
Protein change: p.Gln914=; no amino-acid change (glutamine 914 retained).
Molecular consequence: synonymous variant. On other transcripts: non-coding transcript variant (1).
Genome position (GRCh38, 1-based): chr5:128,171,685, A>G. VCF-style: chr5-128171685-A-G. GRCh37 (hg19) VCF-style: chr5-127507377-A-G.
Other names: c.2742A>G, p.Gln914= (NM_001256461.2).
Identifiers: ClinVar variation 3342183 (VCV003342183.16).